The following is an entry in ClinVar:

ClinVar aggregate classification (germline): Benign. Review status: criteria provided, multiple submitters, no conflicts (2 of 4 stars). 3 submissions from 3 submitters: Benign (2). 1 of the submissions does not count toward it. Last evaluated 2019-12-31.

Conditions:
HERC2-related disorder. Also called: HERC2-related condition.

Allele frequency attached by ClinVar (database versions not stated): gnomAD exomes 0.00086 and 0.00263; ExAC 0.00341; gnomAD 0.01033 and 0.01084; TOPMed 0.01149; ESP Exome Variant Server 0.01192; 1000 Genomes Project 0.01358; 1000 Genomes Project 30x 0.01530.
gnomAD v4.1: 2,850 of 1,573,224 alleles (0.18%); highest among the groups gnomAD compares: African/African-American, 3.5%; 48 homozygotes.

Submissions (3):

Labcorp Genetics (formerly Invitae), Labcorp
Classification: Benign. Last evaluated: 2019-12-31. Review status: criteria provided, single submitter. Criteria: Invitae Variant Classification Sherloc (09022015). Collection method: clinical testing. Allele origin: germline.

Breakthrough Genomics
Classification: Benign. Review status: criteria provided, single submitter. Criteria: ACMG Guidelines, 2015. Collection method: not provided. Allele origin: germline. Inheritance: Autosomal recessive inheritance. Affected: yes.

PreventionGenetics, part of Exact Sciences
Classification: Benign for HERC2-related condition. Last evaluated: 2024-07-30. Review status: no assertion criteria provided. Collection method: clinical testing. Allele origin: germline. Not counted in ClinVar's aggregate classification.
Comment: This variant is classified as benign based on ACMG/AMP sequence variant interpretation guidelines (Richards et al. 2015 PMID: 25741868, with internal and published modifications).

NM_004667.6(HERC2):c.13048C>T (p.Leu4350=)

Gene: HERC2 (HECT and RLD domain containing E3 ubiquitin protein ligase 2; minus strand). Cytogenetic location: 15q13.1.
Variant type: single nucleotide variant.
Coding change: c.13048C>T on transcript NM_004667.6 (MANE Select); coding-DNA position 13048, C replaced by T.
Protein change: p.Leu4350=; no amino-acid change (leucine 4350 retained).
Molecular consequence: synonymous variant.
Genome position (GRCh38, 1-based): chr15:28,124,177, G>A on the plus strand (C>T on the coding strand, the complement: HERC2 is on the minus strand). VCF-style: chr15-28124177-G-A. GRCh37 (hg19) VCF-style: chr15-28369323-G-A.
Identifiers: ClinVar variation 769873 (VCV000769873.6), dbSNP rs11854005, ClinGen allele CA7440141.